The following is an entry in ClinVar:

NM_017617.5(NOTCH1):c.4512del (p.Cys1505fs)

Gene: NOTCH1 (notch receptor 1; minus strand). Cytogenetic location: 9q34.3.
Variant type: Deletion.
Coding change: c.4512del on transcript NM_017617.5 (MANE Select); coding-DNA position 4512, one base deleted (C; older notation c.4512delC).
Protein change: p.Cys1505fs; shifts the reading frame from cysteine 1505.
Molecular consequence: frameshift variant.
Genome position (GRCh38, 1-based): chr9:136,505,384, G deleted on the plus strand (C on the coding strand, the reverse complement: NOTCH1 is on the minus strand). VCF-style (leftmost placement, unchanged base first): chr9-136505383-AG-A. GRCh37 (hg19) VCF-style: chr9-139399835-AG-A.
Other names: c.4512del, p.Cys1505fs (LRG_1122t1); short protein forms C1505fs.
Identifiers: ClinVar variation 12477 (VCV000012477.2), dbSNP rs41309766, ClinGen allele CA122443.

ClinVar aggregate classification (germline): Pathogenic. Review status: criteria provided, single submitter (1 of 4 stars). 2 submissions from 2 submitters: Pathogenic (1). 1 of the submissions does not count toward it. Last evaluated 2025-07-15.

Conditions:
Adams-Oliver syndrome 5 (AOS5). Identifiers: Orphanet 974, MedGen C4014970, MONDO:0014459, OMIM 616028.
Aortic valve disease 1 (AOVD1). Identifiers: MedGen C3887892, MONDO:0024523, OMIM 109730.

Submissions (2):

Labcorp Genetics (formerly Invitae), Labcorp
Classification: Pathogenic for Adams-Oliver syndrome 5. Last evaluated: 2025-07-15. Review status: criteria provided, single submitter. Criteria: Invitae Variant Classification Sherloc (09022015). Collection method: clinical testing. Allele origin: germline.
Comment: This sequence change creates a premature translational stop signal (p.Cys1505Valfs*75) in the NOTCH1 gene. It is expected to result in an absent or disrupted protein product. Loss-of-function variants in NOTCH1 are known to be pathogenic (PMID: 16025100, 21457232, 25132448, 25963545, 32720365, 33630301). This variant is not present in population databases (gnomAD no frequency). This premature translational stop signal has been observed in individual(s) with aortic valve disorders (PMID: 16025100). It has also been observed to segregate with disease in related individuals. ClinVar contains an entry for this variant (Variation ID: 12477). For these reasons, this variant has been classified as Pathogenic.

OMIM
Classification: Pathogenic for AORTIC VALVE DISEASE 1. Last evaluated: 2005-09-08. Review status: no assertion criteria provided. Collection method: literature only. Allele origin: germline. Not counted in ClinVar's aggregate classification.

Literature cited by the submitters: PubMed 16025100 (cited by Labcorp Genetics (formerly Invitae), Labcorp and OMIM); PubMed 21457232 (cited by Labcorp Genetics (formerly Invitae), Labcorp); PubMed 25132448 (cited by Labcorp Genetics (formerly Invitae), Labcorp); PubMed 25963545 (cited by Labcorp Genetics (formerly Invitae), Labcorp); PubMed 32720365 (cited by Labcorp Genetics (formerly Invitae), Labcorp); PubMed 33630301 (cited by Labcorp Genetics (formerly Invitae), Labcorp).